The following is an entry in ClinVar:

ClinVar aggregate classification (germline): Conflicting classifications of pathogenicity. Review status: criteria provided, conflicting classifications (1 of 4 stars). 3 submissions from 3 submitters: Uncertain significance (2); Likely benign (1). Last evaluated 2026-02-04.

Conditions:
Hereditary cancer-predisposing syndrome. Also called: Tumor predisposition; Hereditary Cancer Syndrome; Hereditary neoplastic syndrome; Neoplastic Syndromes, Hereditary. Identifiers: Orphanet 140162, MedGen C0027672, MeSH D009386, MONDO:0015356.
Intellectual disability, autosomal dominant 16 (CSS4). Also called: COFFIN-SIRIS SYNDROME 4. Identifiers: Orphanet 1465, MedGen C3553249, MONDO:0013821, OMIM 614609.
Rhabdoid tumor predisposition syndrome 2 (RTPS2). Identifiers: Orphanet 231108, Orphanet 69077, MedGen C2750074, MONDO:0013224, OMIM 613325.

Allele frequency attached by ClinVar (database versions not stated): gnomAD exomes below 0.00001; ExAC 0.00001; gnomAD 0.00003 and 0.00004; TOPMed 0.00003.
gnomAD v4.1: 5 of 1,612,998 alleles (0.00031%); highest among the groups gnomAD compares: African/African-American, 0.0067%; no homozygotes.

Submissions (3):

Labcorp Genetics (formerly Invitae), Labcorp
Classification: Uncertain significance for Rhabdoid tumor predisposition syndrome 2. Last evaluated: 2026-02-04. Review status: criteria provided, single submitter. Criteria: Invitae Variant Classification Sherloc (09022015). Collection method: clinical testing. Allele origin: germline.
Comment: This sequence change replaces histidine, which is basic and polar, with glutamine, which is neutral and polar, at codon 1373 of the SMARCA4 protein (p.His1373Gln). This variant is present in population databases (rs751704331, gnomAD 0.008%). This variant has not been reported in the literature in individuals affected with SMARCA4-related conditions. ClinVar contains an entry for this variant (Variation ID: 537801). An algorithm developed to predict the effect of missense changes on protein structure and function (PolyPhen-2) suggests that this variant is likely to be tolerated. In summary, the available evidence is currently insufficient to determine the role of this variant in disease. Therefore, it has been classified as a Variant of Uncertain Significance.

Ambry Genetics
Classification: Likely benign for Hereditary cancer-predisposing syndrome. Last evaluated: 2024-01-26. Review status: criteria provided, single submitter. Criteria: Ambry Variant Classification Scheme 2023. Collection method: clinical testing. Allele origin: germline.

Genome-Nilou Lab
Classification: Uncertain significance for Intellectual disability, autosomal dominant 16. Last evaluated: 2021-07-15. Review status: criteria provided, single submitter. Criteria: ACMG Guidelines, 2015. Collection method: clinical testing. Allele origin: germline. Affected: no.

NM_003072.5(SMARCA4):c.4119C>G (p.His1373Gln)

Gene: SMARCA4 (SWI/SNF related BAF chromatin remodeling complex subunit ATPase 4; plus strand). Cytogenetic location: 19p13.2.
Variant type: single nucleotide variant.
Coding change: c.4119C>G on transcript NM_003072.5 (MANE Select); coding-DNA position 4119, C replaced by G.
Protein change: p.His1373Gln; replaces histidine 1373 with glutamine.
Molecular consequence: missense variant. On other transcripts: non-coding transcript variant (1).
Genome position (GRCh38, 1-based): chr19:11,035,081, C>G. VCF-style: chr19-11035081-C-G. GRCh37 (hg19) VCF-style: chr19-11145757-C-G.
Other names: c.4119C>G, p.His1373Gln (NM_001128844.3, NM_001128849.3, NM_001387283.1); c.4020C>G, p.His1340Gln (NM_001128845.2, NM_001128846.2, NM_001128847.4 and 2 more transcripts); short protein forms H1373Q, H1340Q.
Identifiers: ClinVar variation 537801 (VCV000537801.15), dbSNP rs751704331, ClinGen allele CA9204591.
Genomic context (GRCh38, chr19:11,035,081, plus strand): 5'-GGTGGAGCGGCTGACCTGTGAGGAGGAGGAGGAGAAGATGTTCGGCCGTGGCTCCCGCCA[C>G]CGCAAGGAGGTGGACTACAGCGACTCACTGACGGAGAAGCAGTGGCTCAAGGTACATGCT-3'
Protein context (NP_003063.2, residues 1363-1383): EEKMFGRGSR[His1373Gln]RKEVDYSDSL